The following is an entry in ClinVar:

NM_006767.4(LZTR1):c.2138T>C (p.Met713Thr)

Gene: LZTR1 (leucine zipper like post translational regulator 1; plus strand). Cytogenetic location: 22q11.21.
Variant type: single nucleotide variant.
Coding change: c.2138T>C on transcript NM_006767.4 (MANE Select); coding-DNA position 2138, T replaced by C.
Protein change: p.Met713Thr; replaces methionine 713 with threonine.
Molecular consequence: missense variant.
Genome position (GRCh38, 1-based): chr22:20,996,031, T>C. VCF-style: chr22-20996031-T-C. GRCh37 (hg19) VCF-style: chr22-21350320-T-C.
Other names: short protein forms M713T.
Identifiers: ClinVar variation 1442929 (VCV001442929.8), dbSNP rs371920401, ClinGen allele CA10119255.

ClinVar aggregate classification (germline): Uncertain significance. Review status: criteria provided, multiple submitters, no conflicts (2 of 4 stars). 3 submissions from 3 submitters: Uncertain significance (3). Last evaluated 2025-11-18.

Conditions:
Hereditary cancer-predisposing syndrome. Also called: Tumor predisposition; Hereditary Cancer Syndrome; Hereditary neoplastic syndrome; Neoplastic Syndromes, Hereditary. Identifiers: Orphanet 140162, MedGen C0027672, MeSH D009386, MONDO:0015356.
Cardiovascular phenotype. Identifiers: MedGen CN230736.

Allele frequency attached by ClinVar (database versions not stated): gnomAD exomes below 0.00001 and 0.00001; gnomAD 0.00001; ExAC 0.00002; TOPMed 0.00002; ESP Exome Variant Server 0.00008.
gnomAD v4.1: 6 of 1,613,556 alleles (0.00037%); highest among the groups gnomAD compares: Middle Eastern, 0.016%; no homozygotes.

Submissions (3):

Labcorp Genetics (formerly Invitae), Labcorp
Classification: Uncertain significance. Last evaluated: 2025-11-18. Review status: criteria provided, single submitter. Criteria: Invitae Variant Classification Sherloc (09022015). Collection method: clinical testing. Allele origin: germline.
Comment: This sequence change replaces methionine, which is neutral and non-polar, with threonine, which is neutral and polar, at codon 713 of the LZTR1 protein (p.Met713Thr). This variant is present in population databases (rs371920401, gnomAD 0.003%). This variant has not been reported in the literature in individuals affected with LZTR1-related conditions. ClinVar contains an entry for this variant (Variation ID: 1442929). Invitae Evidence Modeling of protein sequence and biophysical properties (such as structural, functional, and spatial information, amino acid conservation, physicochemical variation, residue mobility, and thermodynamic stability) indicates that this missense variant is not expected to disrupt LZTR1 protein function with a negative predictive value of 80%. In summary, the available evidence is currently insufficient to determine the role of this variant in disease. Therefore, it has been classified as a Variant of Uncertain Significance.

Ambry Genetics
Classification: Uncertain significance for Cardiovascular phenotype; Hereditary cancer-predisposing syndrome. Last evaluated: 2025-03-18. Review status: criteria provided, single submitter. Criteria: Ambry Variant Classification Scheme 2023. Collection method: clinical testing. Allele origin: germline.
Comment: The p.M713T variant (also known as c.2138T>C), located in coding exon 18 of the LZTR1 gene, results from a T to C substitution at nucleotide position 2138. The methionine at codon 713 is replaced by threonine, an amino acid with similar properties. This amino acid position is conserved. In addition, this alteration is predicted to be deleterious by in silico analysis. Since supporting evidence is limited at this time, the clinical significance of this alteration remains unclear.

GeneDx
Classification: Uncertain significance. Last evaluated: 2022-10-12. Review status: criteria provided, single submitter. Criteria: GeneDx Variant Classification Process June 2021. Collection method: clinical testing. Allele origin: germline. Affected: yes.
Comment: Not observed at significant frequency in large population cohorts (gnomAD); In silico analysis supports that this missense variant does not alter protein structure/function; Has not been previously published as pathogenic or benign to our knowledge